The following is an entry in ClinVar:

ClinVar aggregate classification (germline): Uncertain significance. Review status: criteria provided, multiple submitters, no conflicts (2 of 4 stars). 2 submissions from 2 submitters: Uncertain significance (2). Last evaluated 2024-01-23.

Submissions (2):

GeneDx
Classification: Uncertain significance. Last evaluated: 2024-01-23. Review status: criteria provided, single submitter. Criteria: GeneDx Variant Classification Process June 2021. Collection method: clinical testing. Allele origin: germline. Affected: yes.
Comment: Not observed at significant frequency in large population cohorts (gnomAD); In silico analysis supports that this missense variant does not alter protein structure/function; Has not been previously published as pathogenic or benign to our knowledge

Labcorp Genetics (formerly Invitae), Labcorp
Classification: Uncertain significance. Last evaluated: 2022-07-25. Review status: criteria provided, single submitter. Criteria: Invitae Variant Classification Sherloc (09022015). Collection method: clinical testing. Allele origin: germline.
Comment: In summary, the available evidence is currently insufficient to determine the role of this variant in disease. Therefore, it has been classified as a Variant of Uncertain Significance. Algorithms developed to predict the effect of missense changes on protein structure and function (SIFT, PolyPhen-2, Align-GVGD) all suggest that this variant is likely to be tolerated. ClinVar contains an entry for this variant (Variation ID: 648304). This variant has not been reported in the literature in individuals affected with POLE-related conditions. This variant is not present in population databases (gnomAD no frequency). This sequence change replaces glutamic acid, which is acidic and polar, with glutamine, which is neutral and polar, at codon 18 of the POLE protein (p.Glu18Gln).

NM_006231.4(POLE):c.52G>C (p.Glu18Gln)

Genes: POLE (DNA polymerase epsilon, catalytic subunit; minus strand), LOC130009266 (ATAC-STARR-seq lymphoblastoid silent region 5123; plus strand). Cytogenetic location: 12q24.33.
Variant type: single nucleotide variant.
Coding change: c.52G>C on transcript NM_006231.4 (MANE Select); coding-DNA position 52, G replaced by C.
Protein change: p.Glu18Gln; replaces glutamic acid 18 with glutamine.
Molecular consequence: missense variant.
Genome position (GRCh38, 1-based): chr12:132,687,264, C>G on the plus strand (G>C on the coding strand, the complement: POLE is on the minus strand). VCF-style: chr12-132687264-C-G. GRCh37 (hg19) VCF-style: chr12-133263850-C-G.
Other names: c.52G>C (NM_006231.2); short protein forms E18Q.
Identifiers: ClinVar variation 648304 (VCV000648304.10), dbSNP rs1555231403, ClinGen allele CA387373331.